The following is an entry in ClinVar:

NM_006767.4(LZTR1):c.1727T>C (p.Leu576Pro)

Gene: LZTR1 (leucine zipper like post translational regulator 1; plus strand). Cytogenetic location: 22q11.21.
Variant type: single nucleotide variant.
Coding change: c.1727T>C on transcript NM_006767.4 (MANE Select); coding-DNA position 1727, T replaced by C.
Protein change: p.Leu576Pro; replaces leucine 576 with proline.
Molecular consequence: missense variant.
Genome position (GRCh38, 1-based): chr22:20,994,669, T>C. VCF-style: chr22-20994669-T-C. GRCh37 (hg19) VCF-style: chr22-21348958-T-C.
Other names: short protein forms L576P.
Identifiers: ClinVar variation 4101918 (VCV004101918.1).

ClinVar aggregate classification (germline): Uncertain significance (1 of 4 stars; one submission).

Conditions:
Cardiovascular phenotype. Identifiers: MedGen CN230736.
Hereditary cancer-predisposing syndrome. Also called: Tumor predisposition; Neoplastic Syndromes, Hereditary; Hereditary neoplastic syndrome; Hereditary Cancer Syndrome. Identifiers: Orphanet 140162, MedGen C0027672, MeSH D009386, MONDO:0015356.

Submission:

Ambry Genetics
Classification: Uncertain significance for Cardiovascular phenotype; Hereditary cancer-predisposing syndrome. Last evaluated: 2025-08-08. Review status: criteria provided, single submitter. Criteria: Ambry Variant Classification Scheme 2023. Collection method: clinical testing. Allele origin: germline.
Comment: The p.L576P variant (also known as c.1727T>C), located in coding exon 15 of the LZTR1 gene, results from a T to C substitution at nucleotide position 1727. The leucine at codon 576 is replaced by proline, an amino acid with similar properties. This amino acid position is conserved. In addition, this alteration is predicted to be deleterious by in silico analysis. Based on the available evidence, the clinical significance of this variant remains unclear.